The following is an entry in ClinVar:

ClinVar aggregate classification (germline): Uncertain significance (1 of 4 stars; one submission).

Conditions:
Cardiovascular phenotype. Identifiers: MedGen CN230736.

Allele frequency attached by ClinVar (database versions not stated): gnomAD exomes below 0.00001.
gnomAD v4.1: 2 of 1,549,688 alleles (0.00013%); highest among the groups gnomAD compares: East Asian, 0.0024%; no homozygotes.

Submission:

Ambry Genetics
Classification: Uncertain significance for Cardiovascular phenotype. Last evaluated: 2021-12-16. Review status: criteria provided, single submitter. Criteria: Ambry Variant Classification Scheme 2023. Collection method: clinical testing. Allele origin: germline.
Comment: The p.K3401R variant (also known as c.10202A>G), located in coding exon 2 of the ZNF469 gene, results from an A to G substitution at nucleotide position 10202. The lysine at codon 3401 is replaced by arginine, an amino acid with highly similar properties. This amino acid position is conserved. In addition, this alteration is predicted to be tolerated by in silico analysis. Since supporting evidence is limited at this time, the clinical significance of this alteration remains unclear.

NM_001367624.2(ZNF469):c.10286A>G (p.Lys3429Arg)

Gene: ZNF469 (zinc finger protein 469; plus strand). Cytogenetic location: 16q24.2.
Variant type: single nucleotide variant.
Coding change: c.10286A>G on transcript NM_001367624.2 (MANE Select); coding-DNA position 10286, A replaced by G.
Protein change: p.Lys3429Arg; replaces lysine 3429 with arginine.
Molecular consequence: missense variant.
Genome position (GRCh38, 1-based): chr16:88,437,756, A>G. VCF-style: chr16-88437756-A-G. GRCh37 (hg19) VCF-style: chr16-88504164-A-G.
Other names: NM_001127464.1:c.10202A>G; short protein forms K3429R.
Identifiers: ClinVar variation 1757039 (VCV001757039.2), dbSNP rs1339551555, ClinGen allele CA397126426.